The following is an entry in ClinVar:

NM_004082.5(DCTN1):c.1048+3A>C

Gene: DCTN1 (dynactin subunit 1; minus strand). Cytogenetic location: 2p13.1.
Variant type: single nucleotide variant.
Coding change: c.1048+3A>C on transcript NM_004082.5 (MANE Select); 3 bases into the intron after coding-DNA position 1048, A replaced by C.
Molecular consequence: intron variant.
Genome position (GRCh38, 1-based): chr2:74,370,618, T>G on the plus strand (A>C on the coding strand, the complement: DCTN1 is on the minus strand). VCF-style: chr2-74370618-T-G. GRCh37 (hg19) VCF-style: chr2-74597745-T-G.
Other names: c.937+3A>C (NM_001190836.2); c.979+3A>C (NM_001378992.1); c.997+3A>C (NM_001378991.1); c.988+3A>C (NM_001135040.3); c.1027+3A>C (NM_001190837.2); c.646+3A>C (NM_001135041.3, NM_023019.4).
Identifiers: ClinVar variation 1042873 (VCV001042873.7), dbSNP rs1674767158, ClinGen allele CA1261395366.
Genomic context (GRCh38, chr2:74,370,618, plus strand): 5'-TTAACACTTTCAGGCATGGTTCTCACCTGACCGTTTGGCCCCCAGCAGCTGTGGGCCCCT[T>G]ACCCTTCTCTTCAATCTCAGCCTTGAGGATCTCTAAGTCAGTAGTGAGCTCGTCCACCCG-3'

ClinVar aggregate classification (germline): Uncertain significance (1 of 4 stars; one submission).

Conditions:
Perry syndrome. Also called: PARKINSONISM WITH ALVEOLAR HYPOVENTILATION AND MENTAL DEPRESSION. Identifiers: Orphanet 178509, MedGen C1868594, MONDO:0008201, OMIM 168605.
Amyotrophic lateral sclerosis type 1 (ALS1). Also called: AMYOTROPHIC LATERAL SCLEROSIS 1, FAMILIAL. Identifiers: Orphanet 803, MedGen C1862939, MONDO:0007103, OMIM 105400.
Neuronopathy, distal hereditary motor, type 7B. Also called: NEURONOPATHY, DISTAL HEREDITARY MOTOR, AUTOSOMAL DOMINANT 14; NEURONOPATHY, DISTAL HEREDITARY MOTOR, HARDING TYPE VIIB; NEUROPATHY, DISTAL HEREDITARY MOTOR, HARDING TYPE VIIB; NEUROPATHY, DISTAL HEREDITARY MOTOR, WITH VOCAL CORD PARALYSIS, HARDING TYPE VIIB; HMN VIIB; LOWER MOTOR NEURON DISEASE, DYNACTIN TYPE. Identifiers: Orphanet 139589, MedGen C1843315, MONDO:0011879, OMIM 607641.

gnomAD v4.1: 15 of 1,614,134 alleles (0.00093%); highest among the groups gnomAD compares: Non-Finnish European, 0.0013%; no homozygotes.

Submission:

Labcorp Genetics (formerly Invitae), Labcorp
Classification: Uncertain significance for Amyotrophic lateral sclerosis type 1; Neuronopathy, distal hereditary motor, type 7B; Perry syndrome. Last evaluated: 2024-08-28. Review status: criteria provided, single submitter. Criteria: Invitae Variant Classification Sherloc (09022015). Collection method: clinical testing. Allele origin: germline.
Comment: This sequence change falls in intron 10 of the DCTN1 gene. It does not directly change the encoded amino acid sequence of the DCTN1 protein. It affects a nucleotide within the consensus splice site. This variant is not present in population databases (gnomAD no frequency). This variant has not been reported in the literature in individuals affected with DCTN1-related conditions. ClinVar contains an entry for this variant (Variation ID: 1042873). Variants that disrupt the consensus splice site are a relatively common cause of aberrant splicing (PMID: 17576681, 9536098). Algorithms developed to predict the effect of sequence changes on RNA splicing suggest that this variant may disrupt the consensus splice site. In summary, the available evidence is currently insufficient to determine the role of this variant in disease. Therefore, it has been classified as a Variant of Uncertain Significance.

Literature cited by the submitters: PubMed 17576681; PubMed 9536098.